The following is an entry in ClinVar:

NM_001363711.2(DUOX2):c.3634C>T (p.Arg1212Cys)

Gene: DUOX2 (dual oxidase 2; minus strand). Cytogenetic location: 15q21.1.
Variant type: single nucleotide variant.
Coding change: c.3634C>T on transcript NM_001363711.2 (MANE Select); coding-DNA position 3634, C replaced by T.
Protein change: p.Arg1212Cys; replaces arginine 1212 with cysteine.
Molecular consequence: missense variant.
Genome position (GRCh38, 1-based): chr15:45,097,673, G>A on the plus strand (C>T on the coding strand, the complement: DUOX2 is on the minus strand). VCF-style: chr15-45097673-G-A. GRCh37 (hg19) VCF-style: chr15-45389871-G-A.
Other names: c.3634C>T, p.Arg1212Cys (NM_014080.5); short protein forms R1212C.
Identifiers: ClinVar variation 3716013 (VCV003716013.2).

ClinVar aggregate classification (germline): Uncertain significance (1 of 4 stars; one submission).

gnomAD v4.1: 14 of 1,614,104 alleles (0.00087%); highest among the groups gnomAD compares: South Asian, 0.0022%; no homozygotes.

Submission:

Labcorp Genetics (formerly Invitae), Labcorp
Classification: Uncertain significance. Last evaluated: 2025-11-02. Review status: criteria provided, single submitter. Criteria: Invitae Variant Classification Sherloc (09022015). Collection method: clinical testing. Allele origin: germline.
Comment: This sequence change replaces arginine, which is basic and polar, with cysteine, which is neutral and slightly polar, at codon 1212 of the DUOX2 protein (p.Arg1212Cys). This variant is present in population databases (rs746970241, gnomAD 0.002%). This variant has not been reported in the literature in individuals affected with DUOX2-related conditions. ClinVar contains an entry for this variant (Variation ID: 3716013). Invitae Evidence Modeling of protein sequence and biophysical properties (such as structural, functional, and spatial information, amino acid conservation, physicochemical variation, residue mobility, and thermodynamic stability) indicates that this missense variant is expected to disrupt DUOX2 protein function with a positive predictive value of 80%. In summary, the available evidence is currently insufficient to determine the role of this variant in disease. Therefore, it has been classified as a Variant of Uncertain Significance.